The following is an entry in ClinVar:

NM_000214.3(JAG1):c.1114T>C (p.Ser372Pro)

Gene: JAG1 (jagged canonical Notch ligand 1; minus strand). Cytogenetic location: 20p12.2.
Variant type: single nucleotide variant.
Coding change: c.1114T>C on transcript NM_000214.3 (MANE Select); coding-DNA position 1114, T replaced by C.
Protein change: p.Ser372Pro; replaces serine 372 with proline.
Molecular consequence: missense variant.
Genome position (GRCh38, 1-based): chr20:10,651,587, A>G on the plus strand (T>C on the coding strand, the complement: JAG1 is on the minus strand). VCF-style: chr20-10651587-A-G. GRCh37 (hg19) VCF-style: chr20-10632235-A-G.
Other names: short protein forms S372P.
Identifiers: ClinVar variation 3907960 (VCV003907960.1).
Genomic context (GRCh38, chr20:10,651,587, plus strand): 5'-GGTATCTTGGCACAAGGATCCTTAGAATGGACACAGGCTGAAAATTGGACTTACTTGTAG[A>G]GCATGTGGGGCCGGTCCAGCCTGGGGAACACTCACACTCAAAGCCCAGGGAGGTCTCCTT-3'
Protein context (NP_000205.1, residues 362-382): CSPGWTGPTC[Ser372Pro]TNIDDCSPNN

ClinVar aggregate classification (germline): Uncertain significance (1 of 4 stars; one submission).

Submission:

GeneDx
Classification: Uncertain significance. Last evaluated: 2024-12-30. Review status: criteria provided, single submitter. Criteria: GeneDx Variant Classification Process June 2021. Collection method: clinical testing. Allele origin: germline. Affected: yes.
Comment: Not observed at significant frequency in large population cohorts (gnomAD); In silico analysis indicates that this missense variant does not alter protein structure/function; Has not been previously published as pathogenic or benign to our knowledge